The following is an entry in ClinVar:

ClinVar aggregate classification (germline): Uncertain significance (1 of 4 stars; one submission).

Conditions:
Charcot-Marie-Tooth disease axonal type 2P. Also called: CHARCOT-MARIE-TOOTH DISEASE, AXONAL, TYPE 2G; CMT 2G; CHARCOT-MARIE-TOOTH NEUROPATHY, TYPE 2P; Charcot-Marie-Tooth Neuropathy Type 2G. Identifiers: Orphanet 300319, Orphanet 99941, MedGen C3280797, MONDO:0013753, OMIM 614436.

Allele frequency attached by ClinVar (database versions not stated): gnomAD exomes 0.00001; ESP Exome Variant Server 0.00008; ExAC 0.00001.
gnomAD v4.1: 8 of 1,614,098 alleles (0.0005%); highest among the groups gnomAD compares: Non-Finnish European, 0.00068%; no homozygotes.

Submission:

Labcorp Genetics (formerly Invitae), Labcorp
Classification: Uncertain significance for Charcot-Marie-Tooth disease axonal type 2P. Last evaluated: 2025-11-09. Review status: criteria provided, single submitter. Criteria: Invitae Variant Classification Sherloc (09022015). Collection method: clinical testing. Allele origin: germline.
Comment: This sequence change replaces proline, which is neutral and non-polar, with leucine, which is neutral and non-polar, at codon 655 of the LRSAM1 protein (p.Pro655Leu). This variant is present in population databases (rs376913816, gnomAD 0.0009%). This variant has not been reported in the literature in individuals affected with LRSAM1-related conditions. ClinVar contains an entry for this variant (Variation ID: 1506530). Invitae Evidence Modeling of protein sequence and biophysical properties (such as structural, functional, and spatial information, amino acid conservation, physicochemical variation, residue mobility, and thermodynamic stability) indicates that this missense variant is not expected to disrupt LRSAM1 protein function with a negative predictive value of 80%. In summary, the available evidence is currently insufficient to determine the role of this variant in disease. Therefore, it has been classified as a Variant of Uncertain Significance.

NM_001005373.4(LRSAM1):c.1964C>T (p.Pro655Leu)

Gene: LRSAM1 (leucine rich repeat and sterile alpha motif containing 1; plus strand). Cytogenetic location: 9q34.11.
Variant type: single nucleotide variant.
Coding change: c.1964C>T on transcript NM_001005373.4 (MANE Select); coding-DNA position 1964, C replaced by T.
Protein change: p.Pro655Leu; replaces proline 655 with leucine.
Molecular consequence: missense variant. On other transcripts: non-coding transcript variant (2).
Genome position (GRCh38, 1-based): chr9:127,501,061, C>T. VCF-style: chr9-127501061-C-T. GRCh37 (hg19) VCF-style: chr9-130263340-C-T.
Other names: c.1964C>T, p.Pro655Leu (NM_001005374.4, NM_001384142.1, NM_138361.5); c.1883C>T, p.Pro628Leu (NM_001190723.3); c.1865C>T, p.Pro622Leu (NM_001384143.1); c.1175C>T, p.Pro392Leu (NM_001384144.1); short protein forms P622L, P628L, P392L, P655L.
Identifiers: ClinVar variation 1506530 (VCV001506530.6), dbSNP rs376913816, ClinGen allele CA5247215.